The following is an entry in ClinVar:

ClinVar aggregate classification (germline): Benign/Likely benign. Review status: criteria provided, multiple submitters, no conflicts (2 of 4 stars). 2 submissions from 2 submitters: Benign (1); Likely benign (1). Last evaluated 2026-07-02.

Conditions:
Sessile serrated polyposis cancer syndrome (SSPCS). Identifiers: Orphanet 157798, MedGen C4310714, MONDO:0014919, OMIM 617108.

Submissions (2):

Myriad Genetics, Inc.
Classification: Benign for Sessile serrated polyposis cancer syndrome. Last evaluated: 2026-07-02. Review status: criteria provided, single submitter. Criteria: Myriad Autosomal Dominant, Autosomal Recessive and X-Linked Classification Criteria (2023). Collection method: clinical testing. Allele origin: unknown.
Comment: This variant is considered benign. This variant is a silent/synonymous amino acid change and it is not expected to impact splicing.

Ambry Genetics
Classification: Likely benign. Last evaluated: 2025-09-10. Review status: criteria provided, single submitter. Criteria: Ambry Variant Classification Scheme 2023. Collection method: clinical testing. Allele origin: germline.

NM_017763.6(RNF43):c.2250C>T (p.Asp750=)

Gene: RNF43 (ring finger protein 43; minus strand). Cytogenetic location: 17q22.
Variant type: single nucleotide variant.
Coding change: c.2250C>T on transcript NM_017763.6 (MANE Select); coding-DNA position 2250, C replaced by T.
Protein change: p.Asp750=; no amino-acid change (aspartic acid 750 retained).
Molecular consequence: synonymous variant.
Genome position (GRCh38, 1-based): chr17:58,357,526, G>A on the plus strand (C>T on the coding strand, the complement: RNF43 is on the minus strand). VCF-style: chr17-58357526-G-A. GRCh37 (hg19) VCF-style: chr17-56434887-G-A.
Other names: c.2250C>T, p.Asp750= (NM_001305544.3, NM_001438820.1, NM_001438821.1 and 1 more transcripts); c.1869C>T, p.Asp623= (NM_001305545.2, NM_001437987.1).
Identifiers: ClinVar variation 4155813 (VCV004155813.2).